The following is an entry in ClinVar:

NM_005477.3(HCN4):c.2864C>T (p.Pro955Leu)

Gene: HCN4 (hyperpolarization activated cyclic nucleotide gated potassium channel 4; minus strand). Cytogenetic location: 15q24.1.
Variant type: single nucleotide variant.
Coding change: c.2864C>T on transcript NM_005477.3 (MANE Select); coding-DNA position 2864, C replaced by T.
Protein change: p.Pro955Leu; replaces proline 955 with leucine.
Molecular consequence: missense variant.
Genome position (GRCh38, 1-based): chr15:73,323,229, G>A on the plus strand (C>T on the coding strand, the complement: HCN4 is on the minus strand). VCF-style: chr15-73323229-G-A. GRCh37 (hg19) VCF-style: chr15-73615570-G-A.
Other names: short protein forms P955L.
Identifiers: ClinVar variation 287523 (VCV000287523.13), dbSNP rs371562763, ClinGen allele CA7648936.

ClinVar aggregate classification (germline): Conflicting classifications of pathogenicity. Review status: criteria provided, conflicting classifications (1 of 4 stars). 3 submissions from 3 submitters: Uncertain significance (2); Likely benign (1). Last evaluated 2025-10-08.

Conditions:
Cardiovascular phenotype. Identifiers: MedGen CN230736.
Brugada syndrome 8 (BRGDA8). Identifiers: Orphanet 130, MedGen C2751083, MONDO:0013148, OMIM 613123.

Allele frequency attached by ClinVar (database versions not stated): 1000 Genomes Project 0.00020; 1000 Genomes Project 30x 0.00031; gnomAD 0.00004 and 0.00005; TOPMed 0.00007; ESP Exome Variant Server 0.00009.
gnomAD v4.1: 44 of 1,527,886 alleles (0.0029%); highest among the groups gnomAD compares: South Asian, 0.018%; no homozygotes.

Submissions (3):

Labcorp Genetics (formerly Invitae), Labcorp
Classification: Uncertain significance for Brugada syndrome 8. Last evaluated: 2025-10-08. Review status: criteria provided, single submitter. Criteria: Invitae Variant Classification Sherloc (09022015). Collection method: clinical testing. Allele origin: germline.
Comment: This sequence change replaces proline, which is neutral and non-polar, with leucine, which is neutral and non-polar, at codon 955 of the HCN4 protein (p.Pro955Leu). The frequency data for this variant in the population databases is considered unreliable, as metrics indicate poor data quality at this position in the gnomAD database. This missense change has been observed in individual(s) with Brugada syndrome (PMID: 34546463). ClinVar contains an entry for this variant (Variation ID: 287523). Invitae Evidence Modeling of protein sequence and biophysical properties (such as structural, functional, and spatial information, amino acid conservation, physicochemical variation, residue mobility, and thermodynamic stability) indicates that this missense variant is not expected to disrupt HCN4 protein function with a negative predictive value of 95%. In summary, the available evidence is currently insufficient to determine the role of this variant in disease. Therefore, it has been classified as a Variant of Uncertain Significance.

Ambry Genetics
Classification: Likely benign for Cardiovascular phenotype. Last evaluated: 2018-12-12. Review status: criteria provided, single submitter. Criteria: Ambry Variant Classification Scheme 2023. Collection method: clinical testing. Allele origin: germline.

Eurofins Ntd Llc (ga)
Classification: Uncertain significance. Last evaluated: 2016-04-19. Review status: criteria provided, single submitter. Criteria: EGL Classification Definitions 2015. Collection method: clinical testing. Allele origin: germline. Observed: 1 variant allele, 1 heterozygote.

Literature cited by the submitters: PubMed 34546463 (cited by Labcorp Genetics (formerly Invitae), Labcorp).